The following is an entry in ClinVar:

NM_017757.3(ZNF407):c.5832G>T (p.Val1944=)

Gene: ZNF407 (zinc finger protein 407; plus strand). Cytogenetic location: 18q22.3.
Variant type: single nucleotide variant.
Coding change: c.5832G>T on transcript NM_017757.3 (MANE Select); coding-DNA position 5832, G replaced by T.
Protein change: p.Val1944=; no amino-acid change (valine 1944 retained).
Molecular consequence: synonymous variant.
Genome position (GRCh38, 1-based): chr18:75,063,553, G>T. VCF-style: chr18-75063553-G-T. GRCh37 (hg19) VCF-style: chr18-72775509-G-T.
Other names: c.5832G>T, p.Val1944= (NM_001384475.1).
Identifiers: ClinVar variation 3905189 (VCV003905189.10).
Genomic context (GRCh38, chr18:75,063,553, plus strand): 5'-GGTGCCCGGACCCATCCTCCCCGAGCAGCTGGCTGATGGAGCCACCCAGGTGGTCGTCGT[G>T]GGGGGCTCCATGGAAGGCCACGGCATGGATGAGTCCCTCAGTCCAGGTGGCGCTGTGATA-3'
Protein context (NP_060227.2, residues 1934-1954): LADGATQVVV[Val1944=]GGSMEGHGMD

ClinVar aggregate classification (germline): Likely benign (1 of 4 stars; one submission).

gnomAD v4.1: 12 of 1,567,570 alleles (0.00077%); highest among the groups gnomAD compares: Middle Eastern, 0.017%; no homozygotes.

Submission:

CeGaT Center for Human Genetics Tuebingen
Classification: Likely benign. Last evaluated: 2025-05-01. Review status: criteria provided, single submitter. Criteria: CeGaT Center For Human Genetics Tuebingen Variant Classification Criteria Version 2. Collection method: clinical testing. Allele origin: germline. Affected: yes. Observed: 1 variant allele.
Comment: ZNF407: BP4, BP7